The following is an entry in ClinVar:

NM_032043.3(BRIP1):c.2636A>G (p.Glu879Gly)

Gene: BRIP1 (BRCA1 interacting DNA helicase 1; minus strand). Cytogenetic location: 17q23.2.
Variant type: single nucleotide variant.
Coding change: c.2636A>G on transcript NM_032043.3 (MANE Select); coding-DNA position 2636, A replaced by G.
Protein change: p.Glu879Gly; replaces glutamic acid 879 with glycine.
Molecular consequence: missense variant.
Genome position (GRCh38, 1-based): chr17:61,686,105, T>C on the plus strand (A>G on the coding strand, the complement: BRIP1 is on the minus strand). VCF-style: chr17-61686105-T-C. GRCh37 (hg19) VCF-style: chr17-59763466-T-C.
Other names: short protein forms E879G.
Identifiers: ClinVar variation 1015367 (VCV001015367.9), dbSNP rs1202665874, ClinGen allele CA400481894.

ClinVar aggregate classification (germline): Uncertain significance (1 of 4 stars; one submission).

Conditions:
Familial cancer of breast. Also called: hereditary breast carcinoma; BREAST CANCER, FAMILIAL; Hereditary breast cancer. Identifiers: Orphanet 227535, MedGen C0346153, MONDO:0016419, OMIM 114480. Disease mechanism: loss of function.
Fanconi anemia complementation group J. Also called: BRIP1-Related Fanconi Anemia. Identifiers: Orphanet 84, MedGen C1836860, MONDO:0012187, OMIM 609054.

Submission:

Labcorp Genetics (formerly Invitae), Labcorp
Classification: Uncertain significance for Familial cancer of breast; Fanconi anemia complementation group J. Last evaluated: 2020-05-27. Review status: criteria provided, single submitter. Criteria: Invitae Variant Classification Sherloc (09022015). Collection method: clinical testing. Allele origin: germline.
Comment: Algorithms developed to predict the effect of missense changes on protein structure and function (SIFT, PolyPhen-2, Align-GVGD) all suggest that this variant is likely to be tolerated, but these predictions have not been confirmed by published functional studies and their clinical significance is uncertain. In summary, the available evidence is currently insufficient to determine the role of this variant in disease. Therefore, it has been classified as a Variant of Uncertain Significance. This sequence change replaces glutamic acid with glycine at codon 879 of the BRIP1 protein (p.Glu879Gly). The glutamic acid residue is moderately conserved and there is a moderate physicochemical difference between glutamic acid and glycine. This variant is not present in population databases (ExAC no frequency). This variant has not been reported in the literature in individuals with BRIP1-related conditions.